The following is an entry in ClinVar:

NM_080632.3(UPF3B):c.797C>T (p.Pro266Leu)

Gene: UPF3B (UPF3B regulator of nonsense mediated mRNA decay; minus strand). Cytogenetic location: Xq24.
Variant type: single nucleotide variant.
Coding change: c.797C>T on transcript NM_080632.3 (MANE Select); coding-DNA position 797, C replaced by T.
Protein change: p.Pro266Leu; replaces proline 266 with leucine.
Molecular consequence: missense variant.
Genome position (GRCh38, 1-based): chrX:119,841,086, G>A on the plus strand (C>T on the coding strand, the complement: UPF3B is on the minus strand). VCF-style: chrX-119841086-G-A. GRCh37 (hg19) VCF-style: chrX-118975049-G-A.
Other names: c.797C>T, p.Pro266Leu (NM_023010.4); short protein forms P266L.
Identifiers: ClinVar variation 4882315 (VCV004882315.2).

ClinVar aggregate classification (germline): Uncertain significance (1 of 4 stars; one submission).

Submission:

Dasa
Classification: Uncertain significance. Last evaluated: 2026-04-06. Review status: criteria provided, single submitter. Criteria: DASA Assertion Criteria. Collection method: clinical testing. Allele origin: germline.
Comment: NM_080632.3(UPF3B):c.797C>T (p.Pro266Leu) is a missense variant that results in the substitution of proline with leucine. This variant is rare in population databases. The currently available literature and clinical evidence are not sufficient to establish a definitive association between this variant and the reported condition. Therefore, this variant is classified as a variant of uncertain significance.